The following is an entry in ClinVar:

ClinVar aggregate classification (germline): Uncertain significance. Review status: criteria provided, multiple submitters, no conflicts (2 of 4 stars). 2 submissions from 2 submitters: Uncertain significance (2). Last evaluated 2024-12-10.

Conditions:
Inborn genetic diseases. Identifiers: MedGen C0950123, MeSH D030342.

gnomAD v4.1: 4 of 1,612,118 alleles (0.00025%); highest among the groups gnomAD compares: Admixed American, 0.005%; no homozygotes.

Submissions (2):

Ambry Genetics
Classification: Uncertain significance for Inborn genetic diseases. Last evaluated: 2024-12-10. Review status: criteria provided, single submitter. Criteria: Ambry Variant Classification Scheme 2023. Collection method: clinical testing. Allele origin: germline.

Athena Diagnostics
Classification: Uncertain significance. Last evaluated: 2024-07-17. Review status: criteria provided, single submitter. Criteria: Athena Diagnostics Criteria. Collection method: clinical testing. Allele origin: unknown.
Comment: Available data are insufficient to determine the clinical significance of the variant at this time. The frequency of this variant in the general population is uninformative in assessment of its pathogenicity. Polyphen and MutationTaster predict this amino acid change may be benign.

NM_024411.5(PDYN):c.566T>C (p.Val189Ala)

Genes: PDYN (prodynorphin; minus strand), PDYN-AS1 (PDYN antisense RNA 1; plus strand). Cytogenetic location: 20p13.
Variant type: single nucleotide variant.
Coding change: c.566T>C on transcript NM_024411.5 (MANE Select); coding-DNA position 566, T replaced by C.
Protein change: p.Val189Ala; replaces valine 189 with alanine.
Molecular consequence: missense variant.
Genome position (GRCh38, 1-based): chr20:1,980,522, A>G on the plus strand (T>C on the coding strand, the complement: PDYN is on the minus strand). VCF-style: chr20-1980522-A-G. GRCh37 (hg19) VCF-style: chr20-1961168-A-G.
Other names: c.566T>C, p.Val189Ala (NM_001190892.1, NM_001190898.3, NM_001190899.2 and 1 more transcripts); short protein forms V189A.
Identifiers: ClinVar variation 3416714 (VCV003416714.2).